The following is an entry in ClinVar:

NM_152703.5(SAMD9L):c.2935T>C (p.Tyr979His)

Gene: SAMD9L (sterile alpha motif domain containing 9 like; minus strand). Cytogenetic location: 7q21.2.
Variant type: single nucleotide variant.
Coding change: c.2935T>C on transcript NM_152703.5 (MANE Select); coding-DNA position 2935, T replaced by C.
Protein change: p.Tyr979His; replaces tyrosine 979 with histidine.
Molecular consequence: missense variant.
Genome position (GRCh38, 1-based): chr7:93,133,037, A>G on the plus strand (T>C on the coding strand, the complement: SAMD9L is on the minus strand). VCF-style: chr7-93133037-A-G. GRCh37 (hg19) VCF-style: chr7-92762350-A-G.
Other names: c.2935T>C, p.Tyr979His (NM_001303496.3, NM_001303497.3, NM_001303498.3 and 5 more transcripts); short protein forms Y979H.
Identifiers: ClinVar variation 4842024 (VCV004842024.1).

ClinVar aggregate classification (germline): Uncertain significance (1 of 4 stars; one submission).

Conditions:
Inborn genetic diseases. Identifiers: MedGen C0950123, MeSH D030342.

Submission:

Ambry Genetics
Classification: Uncertain significance for Inborn genetic diseases. Last evaluated: 2025-12-28. Review status: criteria provided, single submitter. Criteria: Ambry Variant Classification Scheme 2023. Collection method: clinical testing. Allele origin: germline.
Comment: The p.Y979H variant (also known as c.2935T>C), located in coding exon 1 of the SAMD9L gene, results from a T to C substitution at nucleotide position 2935. The tyrosine at codon 979 is replaced by histidine, an amino acid with similar properties. This amino acid position is conserved. In addition, this alteration is predicted to be tolerated by in silico analysis. Based on the available evidence, the clinical significance of this variant remains unclear.